The following is an entry in ClinVar:

ClinVar aggregate classification (germline): Uncertain significance (1 of 4 stars; one submission).

Conditions:
Hereditary cancer-predisposing syndrome. Also called: Tumor predisposition; Hereditary neoplastic syndrome; Hereditary Cancer Syndrome; Neoplastic Syndromes, Hereditary. Identifiers: Orphanet 140162, MedGen C0027672, MeSH D009386, MONDO:0015356.

gnomAD v4.1: 2 of 1,601,440 alleles (0.00012%); highest among the groups gnomAD compares: South Asian, 0.0011%; no homozygotes.

Submission:

Ambry Genetics
Classification: Uncertain significance for Hereditary cancer-predisposing syndrome. Last evaluated: 2025-05-06. Review status: criteria provided, single submitter. Criteria: Ambry Variant Classification Scheme 2023. Collection method: clinical testing. Allele origin: germline.
Comment: The p.M27T variant (also known as c.80T>C), located in coding exon 1 of the SMARCB1 gene, results from a T to C substitution at nucleotide position 80. The methionine at codon 27 is replaced by threonine, an amino acid with similar properties. This amino acid position is highly conserved in available vertebrate species. In addition, the in silico prediction for this alteration is inconclusive. Based on the available evidence, the clinical significance of this variant remains unclear.

NM_003073.5(SMARCB1):c.80T>C (p.Met27Thr)

Gene: SMARCB1 (SWI/SNF related BAF chromatin remodeling complex subunit B1; plus strand). Cytogenetic location: 22q11.23.
Variant type: single nucleotide variant.
Coding change: c.80T>C on transcript NM_003073.5 (MANE Select); coding-DNA position 80, T replaced by C.
Protein change: p.Met27Thr; replaces methionine 27 with threonine.
Molecular consequence: missense variant.
Genome position (GRCh38, 1-based): chr22:23,787,249, T>C. VCF-style: chr22-23787249-T-C. GRCh37 (hg19) VCF-style: chr22-24129436-T-C.
Other names: c.80T>C, p.Met27Thr (NM_001007468.3, NM_001317946.2, NM_001362877.2); short protein forms M27T.
Identifiers: ClinVar variation 3958524 (VCV003958524.1).
Genomic context (GRCh38, chr22:23,787,249, plus strand): 5'-GCAAGACCTTCGGGCAGAAGCCCGTGAAGTTCCAGCTGGAGGACGACGGCGAGTTCTACA[T>C]GATCGGCTCCGAGGTAGCCCGGGGCGCGTTCTCGCCCTCCCCGGGCTCGGCCCCGCGGGA-3'
Protein context (NP_003064.2, residues 17-37): FQLEDDGEFY[Met27Thr]IGSEVGNYLR